The following is an entry in ClinVar:

ClinVar aggregate classification (germline): Uncertain significance (1 of 4 stars; one submission).

Conditions:
Neuroblastoma, susceptibility to, 3. Also called: ALK-Related Neuroblastic Tumor Susceptibility. Identifiers: Orphanet 635, MedGen C2751681, MONDO:0013083, OMIM 613014.

Submission:

Labcorp Genetics (formerly Invitae), Labcorp
Classification: Uncertain significance for Neuroblastoma, susceptibility to, 3. Last evaluated: 2021-07-01. Review status: criteria provided, single submitter. Criteria: Invitae Variant Classification Sherloc (09022015). Collection method: clinical testing. Allele origin: germline.
Comment: This sequence change replaces proline with threonine at codon 547 of the ALK protein (p.Pro547Thr). The proline residue is highly conserved and there is a small physicochemical difference between proline and threonine. This variant is not present in population databases (ExAC no frequency). This variant has not been reported in the literature in individuals affected with ALK-related conditions. Algorithms developed to predict the effect of missense changes on protein structure and function are either unavailable or do not agree on the potential impact of this missense change (SIFT: "Deleterious"; PolyPhen-2: "Probably Damaging"; Align-GVGD: "Class C0"). In summary, the available evidence is currently insufficient to determine the role of this variant in disease. Therefore, it has been classified as a Variant of Uncertain Significance.

NM_004304.5(ALK):c.1639C>A (p.Pro547Thr)

Gene: ALK (ALK receptor tyrosine kinase; minus strand). Cytogenetic location: 2p23.2.
Variant type: single nucleotide variant.
Coding change: c.1639C>A on transcript NM_004304.5 (MANE Select); coding-DNA position 1639, C replaced by A.
Protein change: p.Pro547Thr; replaces proline 547 with threonine.
Molecular consequence: missense variant.
Genome position (GRCh38, 1-based): chr2:29,318,312, G>T on the plus strand (C>A on the coding strand, the complement: ALK is on the minus strand). VCF-style: chr2-29318312-G-T. GRCh37 (hg19) VCF-style: chr2-29541178-G-T.
Other names: short protein forms P547T.
Identifiers: ClinVar variation 1488035 (VCV001488035.8), dbSNP rs2148247961, ClinGen allele CA346470826.